The following is an entry in ClinVar:

NM_032808.7(LINGO1):c.70C>G (p.Gln24Glu)

Gene: LINGO1 (leucine rich repeat and Ig domain containing 1; minus strand). Cytogenetic location: 15q24.3.
Variant type: single nucleotide variant.
Coding change: c.70C>G on transcript NM_032808.7 (MANE Select); coding-DNA position 70, C replaced by G.
Protein change: p.Gln24Glu; replaces glutamine 24 with glutamic acid.
Molecular consequence: missense variant.
Genome position (GRCh38, 1-based): chr15:77,615,837, G>C on the plus strand (C>G on the coding strand, the complement: LINGO1 is on the minus strand). VCF-style: chr15-77615837-G-C. GRCh37 (hg19) VCF-style: chr15-77908179-G-C.
Other names: c.52C>G, p.Gln18Glu (NM_001301186.2, NM_001301187.2, NM_001301189.2 and 8 more transcripts); short protein forms Q24E, Q18E.
Identifiers: ClinVar variation 1030999 (VCV001030999.2), dbSNP rs772748227, ClinGen allele CA7678039.

ClinVar aggregate classification (germline): Uncertain significance. Review status: criteria provided, multiple submitters, no conflicts (2 of 4 stars). 2 submissions from 2 submitters: Uncertain significance (2). Last evaluated 2025-08-24.

Conditions:
Intellectual developmental disorder, autosomal recessive 64. Also called: MENTAL RETARDATION, AUTOSOMAL RECESSIVE 64; Intellectual disability, autosomal recessive 64. Identifiers: MedGen C4748192, MONDO:0020846, OMIM 618103.

Allele frequency attached by ClinVar (database versions not stated): TOPMed 0.00003; ExAC below 0.00001; gnomAD exomes 0.00008.

Submissions (2):

Ambry Genetics
Classification: Uncertain significance. Last evaluated: 2025-08-24. Review status: criteria provided, single submitter. Criteria: Ambry Variant Classification Scheme 2023. Collection method: clinical testing. Allele origin: germline.

Baylor Genetics
Classification: Uncertain significance for Intellectual developmental disorder, autosomal recessive 64. Last evaluated: 2019-06-21. Review status: criteria provided, single submitter. Criteria: ACMG Guidelines, 2015. Collection method: clinical testing. Allele origin: unknown. Affected: yes.
Comment: This variant was determined to be of uncertain significance according to ACMG Guidelines, 2015 [PMID:25741868].